The following is an entry in ClinVar:

NM_004370.6(COL12A1):c.2983+3del

Gene: COL12A1 (collagen type XII alpha 1 chain; minus strand). Cytogenetic location: 6q13.
Variant type: Deletion.
Coding change: c.2983+3del on transcript NM_004370.6 (MANE Select); 3 bases into the intron after coding-DNA position 2983, one base deleted (A; older notation c.2983+3delA).
Molecular consequence: intron variant.
Genome position (GRCh38, 1-based): chr6:75,165,504, T deleted on the plus strand (A on the coding strand, the reverse complement: COL12A1 is on the minus strand). VCF-style (leftmost placement, unchanged base first): chr6-75165503-CT-C. GRCh37 (hg19) VCF-style: chr6-75875219-CT-C.
Other names: c.74-13022del (NM_001424116.1, NM_080645.3); c.2710+3del (NM_001424115.1); c.2983+3del (NM_001424114.1, NM_001424113.1).
Identifiers: ClinVar variation 2944442 (VCV002944442.3), dbSNP rs2533468992, ClinGen allele CA2740091450.

ClinVar aggregate classification (germline): Uncertain significance (1 of 4 stars; one submission).

Conditions:
Ullrich congenital muscular dystrophy 2 (UCMD2). Identifiers: Orphanet 75840, MedGen C4225314, MONDO:0014654, OMIM 616470.
Bethlem myopathy 2 (BTHLM2). Identifiers: Orphanet 536516, Orphanet 610, MedGen C4225313, MONDO:0034022, OMIM 616471.

Submission:

Labcorp Genetics (formerly Invitae), Labcorp
Classification: Uncertain significance for Bethlem myopathy 2; Ullrich congenital muscular dystrophy 2. Last evaluated: 2023-07-07. Review status: criteria provided, single submitter. Criteria: Invitae Variant Classification Sherloc (09022015). Collection method: clinical testing. Allele origin: germline.
Comment: This sequence change falls in intron 14 of the COL12A1 gene. It does not directly change the encoded amino acid sequence of the COL12A1 protein. It affects a nucleotide within the consensus splice site. In summary, the available evidence is currently insufficient to determine the role of this variant in disease. Therefore, it has been classified as a Variant of Uncertain Significance. Variants that disrupt the consensus splice site are a relatively common cause of aberrant splicing (PMID: 17576681, 9536098). Algorithms developed to predict the effect of sequence changes on RNA splicing suggest that this variant may disrupt the consensus splice site. This variant has not been reported in the literature in individuals affected with COL12A1-related conditions. This variant is not present in population databases (gnomAD no frequency).

Literature cited by the submitters: PubMed 17576681; PubMed 9536098.